The following is an entry in ClinVar:

ClinVar aggregate classification (germline): Uncertain significance. Review status: criteria provided, multiple submitters, no conflicts (2 of 4 stars). 2 submissions from 2 submitters: Uncertain significance (2). Last evaluated 2024-05-09.

Conditions:
Inborn genetic diseases. Identifiers: MedGen C0950123, MeSH D030342.

Allele frequency attached by ClinVar (database versions not stated): gnomAD 0.00002; ExAC 0.00003; TOPMed 0.00005.
gnomAD v4.1: 39 of 1,606,256 alleles (0.0024%); highest among the groups gnomAD compares: East Asian, 0.009%; no homozygotes.

Submissions (2):

Labcorp Genetics (formerly Invitae), Labcorp
Classification: Uncertain significance. Last evaluated: 2024-05-09. Review status: criteria provided, single submitter. Criteria: Invitae Variant Classification Sherloc (09022015). Collection method: clinical testing. Allele origin: germline.
Comment: This sequence change replaces alanine, which is neutral and non-polar, with threonine, which is neutral and polar, at codon 349 of the PDE2A protein (p.Ala349Thr). This variant is present in population databases (rs779033222, gnomAD 0.02%). This variant has not been reported in the literature in individuals affected with PDE2A-related conditions. ClinVar contains an entry for this variant (Variation ID: 2049106). Algorithms developed to predict the effect of missense changes on protein structure and function output the following: SIFT: "Not Available"; PolyPhen-2: "Benign"; Align-GVGD: "Not Available". The threonine amino acid residue is found in multiple mammalian species, which suggests that this missense change does not adversely affect protein function. In summary, the available evidence is currently insufficient to determine the role of this variant in disease. Therefore, it has been classified as a Variant of Uncertain Significance.

Ambry Genetics
Classification: Uncertain significance for Inborn genetic diseases. Last evaluated: 2024-02-05. Review status: criteria provided, single submitter. Criteria: Ambry Variant Classification Scheme 2023. Collection method: clinical testing. Allele origin: germline.

NM_002599.5(PDE2A):c.1045G>A (p.Ala349Thr)

Gene: PDE2A (phosphodiesterase 2A; minus strand). Cytogenetic location: 11q13.4.
Variant type: single nucleotide variant.
Coding change: c.1045G>A on transcript NM_002599.5 (MANE Select); coding-DNA position 1045, G replaced by A.
Protein change: p.Ala349Thr; replaces alanine 349 with threonine.
Molecular consequence: missense variant.
Genome position (GRCh38, 1-based): chr11:72,588,809, C>T on the plus strand (G>A on the coding strand, the complement: PDE2A is on the minus strand). VCF-style: chr11-72588809-C-T. GRCh37 (hg19) VCF-style: chr11-72299853-C-T.
Other names: c.1024G>A, p.Ala342Thr (NM_001143839.4); c.1018G>A, p.Ala340Thr (NM_001146209.3); c.982G>A, p.Ala328Thr (NM_001243784.2); c.1045G>A (NM_002599.4); short protein forms A342T, A349T, A328T, A340T.
Identifiers: ClinVar variation 2049106 (VCV002049106.5), dbSNP rs779033222, ClinGen allele CA6172330.